The following is an entry in ClinVar:

ClinVar aggregate classification (germline): Uncertain significance (1 of 4 stars; one submission).

gnomAD v4.1: 4 of 1,614,038 alleles (0.00025%); highest among the groups gnomAD compares: African/African-American, 0.0053%; no homozygotes.

Submission:

Labcorp Genetics (formerly Invitae), Labcorp
Classification: Uncertain significance. Last evaluated: 2025-08-13. Review status: criteria provided, single submitter. Criteria: Invitae Variant Classification Sherloc (09022015). Collection method: clinical testing. Allele origin: germline.
Comment: This sequence change replaces serine, which is neutral and polar, with glycine, which is neutral and non-polar, at codon 367 of the GHR protein (p.Ser367Gly). This variant is not present in population databases (gnomAD no frequency). This variant has not been reported in the literature in individuals affected with GHR-related conditions. Invitae Evidence Modeling of protein sequence and biophysical properties (such as structural, functional, and spatial information, amino acid conservation, physicochemical variation, residue mobility, and thermodynamic stability) indicates that this missense variant is not expected to disrupt GHR protein function with a negative predictive value of 95%. In summary, the available evidence is currently insufficient to determine the role of this variant in disease. Therefore, it has been classified as a Variant of Uncertain Significance.

NM_000163.5(GHR):c.1099A>G (p.Ser367Gly)

Gene: GHR (growth hormone receptor; plus strand). Cytogenetic location: 5p12.
Variant type: single nucleotide variant.
Coding change: c.1099A>G on transcript NM_000163.5 (MANE Select); coding-DNA position 1099, A replaced by G.
Protein change: p.Ser367Gly; replaces serine 367 with glycine.
Molecular consequence: missense variant. On other transcripts: 3 prime UTR variant (1).
Genome position (GRCh38, 1-based): chr5:42,718,606, A>G. VCF-style: chr5-42718606-A-G. GRCh37 (hg19) VCF-style: chr5-42718708-A-G.
Other names: c.1120A>G, p.Ser374Gly (NM_001242399.2); c.1099A>G, p.Ser367Gly (NM_001242400.2, NM_001242401.4, NM_001242402.2 and 4 more transcripts); c.1033A>G, p.Ser345Gly (NM_001242460.2); c.*141A>G (NM_001242462.1); short protein forms S345G, S374G, S367G.
Identifiers: ClinVar variation 4747872 (VCV004747872.1).